The following is an entry in ClinVar:

ClinVar aggregate classification (germline): Benign (1 of 4 stars; one submission).

Allele frequency attached by ClinVar (database versions not stated): gnomAD 0.72937 and 0.73987; TOPMed 0.73134; 1000 Genomes Project 30x 0.76999; 1000 Genomes Project 0.77776.
gnomAD v4.1: 112,525 of 152,148 alleles (74%); highest among the groups gnomAD compares: East Asian, 99%; 43,017 homozygotes.

Submission:

GeneDx
Classification: Benign. Last evaluated: 2018-06-14. Review status: criteria provided, single submitter. Criteria: GeneDx Variant Classification (06012015). Collection method: clinical testing. Allele origin: germline. Affected: yes.
Comment: This variant is considered likely benign or benign based on one or more of the following criteria: it is a conservative change, it occurs at a poorly conserved position in the protein, it is predicted to be benign by multiple in silico algorithms, and/or has population frequency not consistent with disease.

NM_203447.4(DOCK8):c.5490+263G>C

Gene: DOCK8 (dedicator of cytokinesis 8; plus strand). Cytogenetic location: 9p24.3.
Variant type: single nucleotide variant.
Coding change: c.5490+263G>C on transcript NM_203447.4 (MANE Select); 263 bases into the intron after coding-DNA position 5490, G replaced by C.
Molecular consequence: intron variant.
Genome position (GRCh38, 1-based): chr9:442,272, G>C. VCF-style: chr9-442272-G-C. GRCh37 (hg19) VCF-style: chr9-442272-G-C.
Other names: c.5286+263G>C (NM_001193536.2); c.5190+263G>C (NM_001190458.2).
Identifiers: ClinVar variation 667684 (VCV000667684.1), dbSNP rs965057, ClinGen allele CA187819804.